The following is an entry in ClinVar:

NM_001042492.3(NF1):c.755T>C (p.Leu252Ser)

Gene: NF1 (neurofibromin 1; plus strand). Cytogenetic location: 17q11.2.
Variant type: single nucleotide variant.
Coding change: c.755T>C on transcript NM_001042492.3 (MANE Select); coding-DNA position 755, T replaced by C.
Protein change: p.Leu252Ser; replaces leucine 252 with serine.
Molecular consequence: missense variant.
Genome position (GRCh38, 1-based): chr17:31,182,532, T>C. VCF-style: chr17-31182532-T-C. GRCh37 (hg19) VCF-style: chr17-29509550-T-C.
Other names: c.755T>C, p.Leu252Ser (NM_000267.4, NM_001128147.3); short protein forms L252S.
Identifiers: ClinVar variation 3669334 (VCV003669334.2).

ClinVar aggregate classification (germline): Uncertain significance (1 of 4 stars; one submission).

Conditions:
Neurofibromatosis, type 1 (NF1). Also called: VON RECKLINGHAUSEN DISEASE; NEUROFIBROMATOSIS, TYPE I, SOMATIC; Neurofibromatosis, type I; Peripheral type neurofibromatosis. Identifiers: Orphanet 636, MedGen C0027831, MONDO:0018975, OMIM 162200. Disease mechanism: loss of function.

Submission:

Labcorp Genetics (formerly Invitae), Labcorp
Classification: Uncertain significance for Neurofibromatosis, type 1. Last evaluated: 2024-12-02. Review status: criteria provided, single submitter. Criteria: Invitae Variant Classification Sherloc (09022015). Collection method: clinical testing. Allele origin: germline.
Comment: This sequence change replaces leucine, which is neutral and non-polar, with serine, which is neutral and polar, at codon 252 of the NF1 protein (p.Leu252Ser). This variant is not present in population databases (gnomAD no frequency). This variant has not been reported in the literature in individuals affected with NF1-related conditions. Invitae Evidence Modeling of protein sequence and biophysical properties (such as structural, functional, and spatial information, amino acid conservation, physicochemical variation, residue mobility, and thermodynamic stability) indicates that this missense variant is expected to disrupt NF1 protein function with a positive predictive value of 80%. In summary, the available evidence is currently insufficient to determine the role of this variant in disease. Therefore, it has been classified as a Variant of Uncertain Significance.